The following is an entry in ClinVar:

NM_020778.5(ALPK3):c.691C>T (p.Gln231Ter)

Gene: ALPK3 (alpha kinase 3; plus strand). Cytogenetic location: 15q25.3.
Variant type: single nucleotide variant.
Coding change: c.691C>T on transcript NM_020778.5 (MANE Select); coding-DNA position 691, C replaced by T.
Protein change: p.Gln231Ter; replaces glutamine 231 with a stop codon.
Molecular consequence: nonsense.
Genome position (GRCh38, 1-based): chr15:84,839,970, C>T. VCF-style: chr15-84839970-C-T. GRCh37 (hg19) VCF-style: chr15-85383201-C-T.
Other names: short protein forms Q231*.
Identifiers: ClinVar variation 2572503 (VCV002572503.8), dbSNP rs748725556, ClinGen allele CA7709045.
Genomic context (GRCh38, chr15:84,839,970, plus strand): 5'-GACACTCTGCGCAAGCTCAGCCCCGACCGCTTCCAGCGAAAGCGGCGATTGAGCGGGGCT[C>T]AAGCGCCGGGCCCCTCGGTCCCTACCAGGGAGCCTGAGGGTGGGACCCTGGCGGCTTGGC-3'

ClinVar aggregate classification (germline): Pathogenic. Review status: criteria provided, multiple submitters, no conflicts (2 of 4 stars). 2 submissions from 2 submitters: Pathogenic (2). Last evaluated 2025-12-04.

Conditions:
Cardiomyopathy, familial hypertrophic 27. Identifiers: MedGen C4748014, MONDO:0054838, OMIM 618052.

Allele frequency attached by ClinVar (database versions not stated): TOPMed 0.00001; ExAC 0.00001; gnomAD 0.00001.
gnomAD v4.1: 4 of 1,612,814 alleles (0.00025%); highest among the groups gnomAD compares: East Asian, 0.0045%; no homozygotes.

Submissions (2):

3billion
Classification: Pathogenic for Cardiomyopathy, familial hypertrophic 27. Last evaluated: 2025-12-04. Review status: criteria provided, single submitter. Criteria: ACMG Guidelines, 2015. Collection method: clinical testing. Allele origin: germline. Affected: yes.
Comment: The variant is observed at an extremely low frequency in the gnomAD v4.1.0 dataset (total allele frequency: <0.001%). Predicted Consequence/Location: Stop-gained (nonsense): predicted to result in a loss or disruption of normal protein function through nonsense-mediated decay (NMD) or protein truncation. Multiple pathogenic variants are reported downstream of the variant. The variant has been reported at least twice as pathogenic without evidence for the classification (ClinVar ID: VCV002572503 /3billion dataset). Therefore, this variant is classified as Pathogenic according to the recommendation of ACMG/AMP guideline.

Labcorp Genetics (formerly Invitae), Labcorp
Classification: Pathogenic. Last evaluated: 2023-06-17. Review status: criteria provided, single submitter. Criteria: Invitae Variant Classification Sherloc (09022015). Collection method: clinical testing. Allele origin: germline.
Comment: For these reasons, this variant has been classified as Pathogenic. This sequence change creates a premature translational stop signal (p.Gln433*) in the ALPK3 gene. It is expected to result in an absent or disrupted protein product. Loss-of-function variants in ALPK3 are known to be pathogenic (PMID: 21441111, 26846950, 27106955, 34263907). This variant is present in population databases (rs748725556, gnomAD 0.02%). This variant has not been reported in the literature in individuals affected with ALPK3-related conditions.

Literature cited by the submitters: PubMed 21441111 (cited by Labcorp Genetics (formerly Invitae), Labcorp); PubMed 26846950 (cited by Labcorp Genetics (formerly Invitae), Labcorp); PubMed 27106955 (cited by Labcorp Genetics (formerly Invitae), Labcorp); PubMed 34263907 (cited by Labcorp Genetics (formerly Invitae), Labcorp).